The following is an entry in ClinVar:

NM_032153.6(ZIC4):c.50G>A (p.Arg17Gln)

Gene: ZIC4 (Zic family zinc finger 4; minus strand). Cytogenetic location: 3q24.
Variant type: single nucleotide variant.
Coding change: c.50G>A on transcript NM_032153.6 (MANE Select); coding-DNA position 50, G replaced by A.
Protein change: p.Arg17Gln; replaces arginine 17 with glutamine.
Molecular consequence: missense variant.
Genome position (GRCh38, 1-based): chr3:147,402,748, C>T on the plus strand (G>A on the coding strand, the complement: ZIC4 is on the minus strand). VCF-style: chr3-147402748-C-T. GRCh37 (hg19) VCF-style: chr3-147120535-C-T.
Other names: c.200G>A, p.Arg67Gln (NM_001168378.1); c.164G>A, p.Arg55Gln (NM_001168379.2); c.50G>A, p.Arg17Gln (NM_001243256.2); short protein forms R55Q, R17Q, R67Q.
Identifiers: ClinVar variation 2394328 (VCV002394328.6), dbSNP rs148365070, ClinGen allele CA2656918.

ClinVar aggregate classification (germline): Uncertain significance. Review status: criteria provided, multiple submitters, no conflicts (2 of 4 stars). 2 submissions from 2 submitters: Uncertain significance (2). Last evaluated 2025-11-20.

Allele frequency attached by ClinVar (database versions not stated): ExAC 0.00036; TOPMed 0.00042; ESP Exome Variant Server 0.00076; 1000 Genomes Project 30x 0.00016; 1000 Genomes Project 0.00020; gnomAD 0.00041.
gnomAD v4.1: 1,365 of 1,613,254 alleles (0.085%); highest among the groups gnomAD compares: Non-Finnish European, 0.11%; 1 homozygote.

Submissions (2):

Labcorp Genetics (formerly Invitae), Labcorp
Classification: Uncertain significance. Last evaluated: 2025-11-20. Review status: criteria provided, single submitter. Criteria: Invitae Variant Classification Sherloc (09022015). Collection method: clinical testing. Allele origin: germline.
Comment: This sequence change replaces arginine, which is basic and polar, with glutamine, which is neutral and polar, at codon 67 of the ZIC4 protein (p.Arg67Gln). This variant is present in population databases (rs148365070, gnomAD 0.08%), and has an allele count higher than expected for a pathogenic variant. This variant has not been reported in the literature in individuals affected with ZIC4-related conditions. ClinVar contains an entry for this variant (Variation ID: 2394328). An algorithm developed to predict the effect of missense changes on protein structure and function (PolyPhen-2) suggests that this variant is likely to be disruptive. In summary, the available evidence is currently insufficient to determine the role of this variant in disease. Therefore, it has been classified as a Variant of Uncertain Significance.

Ambry Genetics
Classification: Uncertain significance. Last evaluated: 2024-12-10. Review status: criteria provided, single submitter. Criteria: Ambry Variant Classification Scheme 2023. Collection method: clinical testing. Allele origin: germline.